The following is an entry in ClinVar:

ClinVar aggregate classification (germline): Likely benign (1 of 4 stars; one submission).

Submission:

CeGaT Center for Human Genetics Tuebingen
Classification: Likely benign. Last evaluated: 2026-04-01. Review status: criteria provided, single submitter. Criteria: CeGaT Center For Human Genetics Tuebingen Variant Classification Criteria Version 2. Collection method: clinical testing. Allele origin: germline. Affected: yes. Observed: 1 variant allele.
Comment: GNB5: BP4

NM_016194.4(GNB5):c.376-6del

Gene: GNB5 (G protein subunit beta 5; minus strand). Cytogenetic location: 15q21.2.
Variant type: Deletion.
Coding change: c.376-6del on transcript NM_016194.4 (MANE Select); 6 bases into the intron before coding-DNA position 376, one base deleted (C; older notation c.376-6delC).
Molecular consequence: intron variant.
Genome position (GRCh38, 1-based): chr15:52,149,931, G deleted on the plus strand (C on the coding strand, the reverse complement: GNB5 is on the minus strand); the first of 3 consecutive G bases (chr15:52,149,931-52,149,933); deleting any one gives the same sequence. VCF-style (leftmost placement, unchanged base first): chr15-52149930-AG-A. GRCh37 (hg19) VCF-style: chr15-52442127-AG-A.
Other names: c.250-6del (NM_006578.4); c.94-6del (NM_001379343.1).
Identifiers: ClinVar variation 4873599 (VCV004873599.2).